The following is an entry in ClinVar:

NM_000135.4(FANCA):c.4349A>T (p.Gln1450Leu)

Genes: FANCA (FA complementation group A; minus strand), ZNF276 (zinc finger protein 276; plus strand). Cytogenetic location: 16q24.3.
Variant type: single nucleotide variant.
Coding change: c.4349A>T on transcript NM_000135.4 (MANE Select); coding-DNA position 4349, A replaced by T.
Protein change: p.Gln1450Leu; replaces glutamine 1450 with leucine.
Molecular consequence: missense variant. On other transcripts: 3 prime UTR variant (3), non-coding transcript variant (4).
Genome position (GRCh38, 1-based): chr16:89,738,620, T>A on the plus strand (A>T on the coding strand, the complement: FANCA is on the minus strand). VCF-style: chr16-89738620-T-A. GRCh37 (hg19) VCF-style: chr16-89805028-T-A.
Other names: c.*78A>T (NM_001286167.3); c.*374T>A (NM_001113525.2, NM_152287.4); short protein forms Q1450L.
Identifiers: ClinVar variation 3848080 (VCV003848080.1).

ClinVar aggregate classification (germline): Uncertain significance (1 of 4 stars; one submission).

Conditions:
Inborn genetic diseases. Identifiers: MedGen C0950123, MeSH D030342.

Submission:

Ambry Genetics
Classification: Uncertain significance for Inborn genetic diseases. Last evaluated: 2025-01-04. Review status: criteria provided, single submitter. Criteria: Ambry Variant Classification Scheme 2023. Collection method: clinical testing. Allele origin: germline.
Comment: The p.Q1450L variant (also known as c.4349A>T), located in coding exon 43 of the FANCA gene, results from an A to T substitution at nucleotide position 4349. The glutamine at codon 1450 is replaced by leucine, an amino acid with dissimilar properties. This amino acid position is conserved. In addition, this alteration is predicted to be tolerated by in silico analysis. Based on the available evidence, the clinical significance of this variant remains unclear.